The following is an entry in ClinVar:

ClinVar aggregate classification (germline): Conflicting classifications of pathogenicity. Review status: criteria provided, conflicting classifications (1 of 4 stars). 5 submissions from 5 submitters: Uncertain significance (1); Likely benign (1). 3 of the submissions do not count toward it. Last evaluated 2025-12-23.

Conditions:
LIPA-related disorder. Also called: LIPA-related disorders; LIPA-related condition.
Wolman disease (WOLD). Also called: Acid cholesteryl ester hydrolase deficiency, Wolman type; Acid lipase disease; Infantile-Onset LAL-D (Wolman Disease); LYSOSOMAL ACID LIPASE DEFICIENCY, ACUTE INFANTILE; LYSOSOMAL ACID LIPASE DEFICIENCY, COMPLETE; LIPA DEFICIENCY, COMPLETE. Identifiers: Orphanet 75233, MedGen C0043208, MONDO:0019148, OMIM 620151.
Lysosomal acid lipase deficiency. Also called: Acid cholesteryl ester hydrolase deficiency, type 2. Identifiers: Orphanet 275761, MedGen C5574740, MONDO:0800449, MONDO:0010204.

Allele frequency attached by ClinVar (database versions not stated): gnomAD exomes 0.00004 and 0.00010; ExAC 0.00013; TOPMed 0.00038; 1000 Genomes Project 0.00040; gnomAD 0.00043 and 0.00046; ESP Exome Variant Server 0.00046; 1000 Genomes Project 30x 0.00047.
gnomAD v4.1: 109 of 1,359,584 alleles (0.008%); highest among the groups gnomAD compares: African/African-American, 0.15%; no homozygotes.

Submissions (5):

Labcorp Genetics (formerly Invitae), Labcorp
Classification: Likely benign for Wolman disease. Last evaluated: 2025-12-23. Review status: criteria provided, single submitter. Criteria: Invitae Variant Classification Sherloc (09022015). Collection method: clinical testing. Allele origin: germline.

Eurofins Ntd Llc (ga)
Classification: Uncertain significance. Last evaluated: 2018-01-09. Review status: criteria provided, single submitter. Criteria: EGL Classification Definitions 2015. Collection method: clinical testing. Allele origin: germline. Observed: 3 variant alleles, 3 heterozygotes.

PreventionGenetics, part of Exact Sciences
Classification: Likely benign for LIPA-related condition. Last evaluated: 2021-10-04. Review status: no assertion criteria provided. Collection method: clinical testing. Allele origin: germline. Not counted in ClinVar's aggregate classification.
Comment: This variant is classified as likely benign based on ACMG/AMP sequence variant interpretation guidelines (Richards et al. 2015 PMID: 25741868, with internal and published modifications).

Natera, Inc.
Classification: Uncertain significance for Lysosomal acid lipase deficiency. Last evaluated: 2020-04-11. Review status: no assertion criteria provided. Collection method: clinical testing. Allele origin: germline. Not counted in ClinVar's aggregate classification.

Mayo Clinic Laboratories, Mayo Clinic
Classification: Uncertain significance. Last evaluated: 2017-05-16. Review status: no assertion criteria provided. Collection method: clinical testing. Allele origin: unknown. Not counted in ClinVar's aggregate classification.

NM_000235.4(LIPA):c.112-9T>C

Gene: LIPA (lipase A, lysosomal acid type; minus strand). Cytogenetic location: 10q23.31.
Variant type: single nucleotide variant.
Coding change: c.112-9T>C on transcript NM_000235.4 (MANE Select); 9 bases into the intron before coding-DNA position 112, T replaced by C.
Molecular consequence: intron variant.
Genome position (GRCh38, 1-based): chr10:89,245,802, A>G on the plus strand (T>C on the coding strand, the complement: LIPA is on the minus strand). VCF-style: chr10-89245802-A-G. GRCh37 (hg19) VCF-style: chr10-91005559-A-G.
Other names: c.-120+5935T>C (NM_001288979.2); c.112-9T>C (NM_001127605.3).
Identifiers: ClinVar variation 289737 (VCV000289737.22), dbSNP rs200186130, ClinGen allele CA5593809.